The following is an entry in ClinVar:

ClinVar aggregate classification (germline): Conflicting classifications of pathogenicity. Review status: criteria provided, conflicting classifications (1 of 4 stars). 6 submissions from 6 submitters: Uncertain significance (3); Likely benign (3). Last evaluated 2026-06-22.

Conditions:
KCNQ1-related disorder. Also called: KCNQ1-related disorders; KCNQ1-related condition. Identifiers: MedGen CN239322.
Long QT syndrome (LQTS). Identifiers: MedGen C0023976, MeSH D008133, MONDO:0002442. Disease mechanism: loss of function. Inheritance: Various modes of inheritance.
Cardiovascular phenotype. Identifiers: MedGen CN230736.
Cardiac arrhythmia. Also called: Arrhythmia; Cardiac rhythm disease. Identifiers: MedGen C0003811, MONDO:0007263, HP:0011675.

Allele frequency attached by ClinVar (database versions not stated): gnomAD 0.00003; gnomAD exomes 0.00003; TOPMed 0.00003; ExAC 0.00004; ESP Exome Variant Server 0.00008.
gnomAD v4.1: 41 of 1,614,086 alleles (0.0025%); highest among the groups gnomAD compares: Middle Eastern, 0.033%; no homozygotes.

Submissions (6):

PreventionGenetics, part of Exact Sciences
Classification: Likely benign for KCNQ1-related condition. Last evaluated: 2026-06-22. Review status: criteria provided, single submitter. Criteria: ACMG Guidelines, 2015. Collection method: clinical testing. Allele origin: germline.
Comment: This variant is classified as likely benign based on ACMG/AMP sequence variant interpretation guidelines (Richards et al. 2015 PMID: 25741868, with internal and published modifications).

Women's Health and Genetics/Laboratory Corporation of America, LabCorp
Classification: Uncertain significance. Last evaluated: 2025-11-25. Review status: criteria provided, single submitter. Criteria: LabCorp Variant Classification Summary - May 2015. Collection method: clinical testing. Allele origin: germline.
Comment: Variant summary: KCNQ1 c.1514+3G>A alters a conserved nucleotide located close to a canonical splice site and therefore could affect mRNA splicing, leading to a significantly altered protein sequence. Consensus agreement among computation tools predict no significant impact on normal splicing. However, these predictions have yet to be confirmed by functional studies. The variant allele was found at a frequency of 3.2e-05 in 251392 control chromosomes (gnomAD). The available data on variant occurrences in the general population are insufficient to allow any conclusion about variant significance. To our knowledge, c.1514+3G>A has not been reported in the literature in individuals affected with Arrhythmia. Co-occurrence with a pathogenic variant has been reported (SCN5A c.2575C>T, p.Q859*), providing supporting evidence for a benign role. To our knowledge, no experimental evidence demonstrating an impact on protein function has been reported. The following publication have been ascertained in the context of this evaluation (PMID: 26159999). ClinVar contains an entry for this variant (Variation ID: 304226). Based on the evidence outlined above, the variant was classified as uncertain significance.

Ambry Genetics
Classification: Uncertain significance for Cardiovascular phenotype. Last evaluated: 2025-11-18. Review status: criteria provided, single submitter. Criteria: Ambry Variant Classification Scheme 2023. Collection method: clinical testing. Allele origin: germline.
Comment: The c.1514+3G>A intronic variant results from a G to A substitution 3 nucleotides after coding exon 11 in the KCNQ1 gene. This nucleotide position is well conserved in available vertebrate species. In silico splice site analysis predicts that this alteration will not have any significant effect on splicing. Since supporting evidence is limited at this time, the clinical significance of this alteration remains unclear.

Labcorp Genetics (formerly Invitae), Labcorp
Classification: Uncertain significance for Long QT syndrome. Last evaluated: 2025-01-11. Review status: criteria provided, single submitter. Criteria: Invitae Variant Classification Sherloc (09022015). Collection method: clinical testing. Allele origin: germline.
Comment: This sequence change falls in intron 11 of the KCNQ1 gene. It does not directly change the encoded amino acid sequence of the KCNQ1 protein. It affects a nucleotide within the consensus splice site. This variant is present in population databases (rs374767819, gnomAD 0.006%). This variant has not been reported in the literature in individuals affected with KCNQ1-related conditions. ClinVar contains an entry for this variant (Variation ID: 304226). Variants that disrupt the consensus splice site are a relatively common cause of aberrant splicing (PMID: 17576681, 9536098). Algorithms developed to predict the effect of sequence changes on RNA splicing suggest that this variant is not likely to affect RNA splicing. In summary, the available evidence is currently insufficient to determine the role of this variant in disease. Therefore, it has been classified as a Variant of Uncertain Significance.

Blueprint Genetics
Classification: Likely benign. Last evaluated: 2024-10-16. Review status: criteria provided, single submitter. Criteria: ACMG Guidelines, 2015. Collection method: clinical testing. Allele origin: germline.

Color Diagnostics, LLC DBA Color Health
Classification: Likely benign for Arrhythmia. Last evaluated: 2018-10-18. Review status: criteria provided, single submitter. Criteria: ACMG Guidelines, 2015. Collection method: clinical testing. Allele origin: germline.

Literature cited by the submitters: PubMed 26159999 (cited by Women's Health and Genetics/Laboratory Corporation of America, LabCorp); PubMed 17576681 (cited by Labcorp Genetics (formerly Invitae), Labcorp); PubMed 9536098 (cited by Labcorp Genetics (formerly Invitae), Labcorp).

NM_000218.3(KCNQ1):c.1514+3G>A

Genes: KCNQ1 (potassium voltage-gated channel subfamily Q member 1; plus strand), KCNQ1OT1 (KCNQ1 opposite strand/antisense transcript 1; minus strand). Cytogenetic location: 11p15.5.
Variant type: single nucleotide variant.
Coding change: c.1514+3G>A on transcript NM_000218.3 (MANE Select); 3 bases into the intron after coding-DNA position 1514, G replaced by A.
Molecular consequence: intron variant.
Genome position (GRCh38, 1-based): chr11:2,662,084, G>A. VCF-style: chr11-2662084-G-A. GRCh37 (hg19) VCF-style: chr11-2683314-G-A.
Other names: c.1244+3G>A (NM_001406837.1); c.1418+3G>A (NM_001406836.1); c.974+3G>A (NM_001406838.1); c.1133+3G>A (NM_181798.2).
Identifiers: ClinVar variation 304226 (VCV000304226.21), dbSNP rs374767819, ClinGen allele CA030306.